The following is an entry in ClinVar:

NM_001145026.2(PTPRQ):c.5248A>G (p.Thr1750Ala)

Gene: PTPRQ (protein tyrosine phosphatase receptor type Q; plus strand). Cytogenetic location: 12q21.31.
Variant type: single nucleotide variant.
Coding change: c.5248A>G on transcript NM_001145026.2 (MANE Select); coding-DNA position 5248, A replaced by G.
Protein change: p.Thr1750Ala; replaces threonine 1750 with alanine.
Molecular consequence: missense variant.
Genome position (GRCh38, 1-based): chr12:80,619,401, A>G. VCF-style: chr12-80619401-A-G. GRCh37 (hg19) VCF-style: chr12-81013180-A-G.
Other names: short protein forms T1750A.
Identifiers: ClinVar variation 1723624 (VCV001723624.8), dbSNP rs973400142, ClinGen allele CA240613327.

ClinVar aggregate classification (germline): Uncertain significance. Review status: criteria provided, multiple submitters, no conflicts (2 of 4 stars). 3 submissions from 3 submitters: Uncertain significance (2). 1 of the submissions does not count toward it. Last evaluated 2026-06-01.

Conditions:
PTPRQ-related disorder. Also called: PTPRQ-related condition.

Allele frequency attached by ClinVar (database versions not stated): gnomAD 0.00005; TOPMed 0.00005; gnomAD exomes 0.00006.
gnomAD v4.1: 91 of 1,547,384 alleles (0.0059%); highest among the groups gnomAD compares: Non-Finnish European, 0.0075%; no homozygotes.

Submissions (3):

CeGaT Center for Human Genetics Tuebingen
Classification: Uncertain significance. Last evaluated: 2026-06-01. Review status: criteria provided, single submitter. Criteria: CeGaT Center For Human Genetics Tuebingen Variant Classification Criteria Version 2. Collection method: clinical testing. Allele origin: germline. Affected: yes. Observed: 2 variant alleles.
Comment: PTPRQ: PM2, BP4

GeneDx
Classification: Uncertain significance. Last evaluated: 2022-11-08. Review status: criteria provided, single submitter. Criteria: GeneDx Variant Classification Process June 2021. Collection method: clinical testing. Allele origin: germline. Affected: yes.
Comment: In silico analysis supports that this missense variant does not alter protein structure/function; Has not been previously published as pathogenic or benign to our knowledge

PreventionGenetics, part of Exact Sciences
Classification: Likely benign for PTPRQ-related condition. Last evaluated: 2023-06-20. Review status: no assertion criteria provided. Collection method: clinical testing. Allele origin: germline. Not counted in ClinVar's aggregate classification.
Comment: This variant is classified as likely benign based on ACMG/AMP sequence variant interpretation guidelines (Richards et al. 2015 PMID: 25741868, with internal and published modifications).